The following is an entry in ClinVar:

ClinVar aggregate classification (germline): Uncertain significance (1 of 4 stars; one submission).

Submission:

Labcorp Genetics (formerly Invitae), Labcorp
Classification: Uncertain significance. Last evaluated: 2023-12-04. Review status: criteria provided, single submitter. Criteria: Invitae Variant Classification Sherloc (09022015). Collection method: clinical testing. Allele origin: germline.
Comment: This sequence change falls in intron 15 of the TBCK gene. It does not directly change the encoded amino acid sequence of the TBCK protein. It affects a nucleotide within the consensus splice site. This variant is not present in population databases (gnomAD no frequency). This variant has not been reported in the literature in individuals affected with TBCK-related conditions. Variants that disrupt the consensus splice site are a relatively common cause of aberrant splicing (PMID: 17576681, 9536098). Algorithms developed to predict the effect of sequence changes on RNA splicing suggest that this variant is not likely to affect RNA splicing. In summary, the available evidence is currently insufficient to determine the role of this variant in disease. Therefore, it has been classified as a Variant of Uncertain Significance.

Literature cited by the submitters: PubMed 17576681; PubMed 9536098.

NM_001163435.3(TBCK):c.1449+6G>T

Gene: TBCK (TBC1 domain containing kinase; minus strand). Cytogenetic location: 4q24.
Variant type: single nucleotide variant.
Coding change: c.1449+6G>T on transcript NM_001163435.3 (MANE Select); 6 bases into the intron after coding-DNA position 1449, G replaced by T.
Molecular consequence: intron variant.
Genome position (GRCh38, 1-based): chr4:106,235,263, C>A on the plus strand (G>T on the coding strand, the complement: TBCK is on the minus strand). VCF-style: chr4-106235263-C-A. GRCh37 (hg19) VCF-style: chr4-107156420-C-A.
Other names: c.1449+6G>T (NM_001163436.4); c.1260+6G>T (NM_033115.5); c.1332+6G>T (NM_001163437.3); c.933+6G>T (NM_001290768.2).
Identifiers: ClinVar variation 2700852 (VCV002700852.2), dbSNP rs773681892, ClinGen allele CA2543658678.